The following is an entry in ClinVar:

NM_000212.3(ITGB3):c.1A>G (p.Met1Val)

Genes: ITGB3 (integrin subunit beta 3; plus strand), LOC130061041 (ATAC-STARR-seq lymphoblastoid silent region 8624; plus strand). Cytogenetic location: 17q21.32.
Variant type: single nucleotide variant.
Coding change: c.1A>G on transcript NM_000212.3 (MANE Select); coding-DNA position 1, A replaced by G.
Protein change: p.Met1Val; changes the start codon (methionine 1).
Molecular consequence: missense variant, initiator codon variant.
Genome position (GRCh38, 1-based): chr17:47,253,862, A>G. VCF-style: chr17-47253862-A-G. GRCh37 (hg19) VCF-style: chr17-45331228-A-G.
Other names: short protein forms M1V.
Identifiers: ClinVar variation 4755112 (VCV004755112.1).

ClinVar aggregate classification (germline): Uncertain significance (1 of 4 stars; one submission).

Submission:

Labcorp Genetics (formerly Invitae), Labcorp
Classification: Uncertain significance. Last evaluated: 2025-03-18. Review status: criteria provided, single submitter. Criteria: Invitae Variant Classification Sherloc (09022015). Collection method: clinical testing. Allele origin: germline.
Comment: This sequence change affects the initiator methionine of the ITGB3 mRNA. The next in-frame methionine is located at codon 48. This variant is not present in population databases (gnomAD no frequency). Disruption of the initiator codon has been observed in individual(s) with Glanzmann thrombasthenia (PMID: 31029159). This variant disrupts a region of the ITGB3 protein in which other variant(s) (p.Cys39Gly) have been observed in individuals with ITGB3-related conditions (PMID: 16463284). This suggests that this is a clinically significant region of the protein, and that variants that disrupt it are likely to be disease-causing. In summary, the available evidence is currently insufficient to determine the role of this variant in disease. Therefore, it has been classified as a Variant of Uncertain Significance.

Literature cited by the submitters: PubMed 31029159; PubMed 16463284.